The following is an entry in ClinVar:

NM_015610.4(WIPI2):c.778G>A (p.Gly260Ser)

Gene: WIPI2 (WD repeat domain, phosphoinositide interacting 2; plus strand). Cytogenetic location: 7p22.1.
Variant type: single nucleotide variant.
Coding change: c.778G>A on transcript NM_015610.4 (MANE Select); coding-DNA position 778, G replaced by A.
Protein change: p.Gly260Ser; replaces glycine 260 with serine.
Molecular consequence: missense variant.
Genome position (GRCh38, 1-based): chr7:5,225,860, G>A. VCF-style: chr7-5225860-G-A. GRCh37 (hg19) VCF-style: chr7-5265491-G-A.
Other names: c.778G>A, p.Gly260Ser (NM_001033518.2); c.724G>A, p.Gly242Ser (NM_001033519.2, NM_016003.4); c.601G>A, p.Gly201Ser (NM_001033520.1); c.346G>A, p.Gly116Ser (NM_001278299.2); short protein forms G116S, G201S, G242S, G260S.
Identifiers: ClinVar variation 3033775 (VCV003033775.2), dbSNP rs150356826, ClinGen allele CA4141852.

ClinVar aggregate classification (germline): Benign (0 of 4 stars; one submission).

Conditions:
WIPI2-related disorder. Also called: WIPI2-related condition.

Allele frequency attached by ClinVar (database versions not stated): ESP Exome Variant Server 0.00031; TOPMed 0.00045; 1000 Genomes Project 30x 0.00187; gnomAD exomes 0.00187; 1000 Genomes Project 0.00240; ExAC 0.00415; gnomAD 0.00430.
gnomAD v4.1: 3,383 of 1,613,680 alleles (0.21%); highest among the groups gnomAD compares: East Asian, 0.33%; 68 homozygotes.

Submission:

PreventionGenetics, part of Exact Sciences
Classification: Benign for WIPI2-related condition. Last evaluated: 2020-01-14. Review status: no assertion criteria provided. Collection method: clinical testing. Allele origin: germline.
Comment: This variant is classified as benign based on ACMG/AMP sequence variant interpretation guidelines (Richards et al. 2015 PMID: 25741868, with internal and published modifications).